The following is an entry in ClinVar:

NM_001371928.1(AHDC1):c.2317G>T (p.Gly773Cys)

Gene: AHDC1 (AT-hook DNA binding motif containing 1; minus strand). Cytogenetic location: 1p36.11.
Variant type: single nucleotide variant.
Coding change: c.2317G>T on transcript NM_001371928.1 (MANE Select); coding-DNA position 2317, G replaced by T.
Protein change: p.Gly773Cys; replaces glycine 773 with cysteine.
Molecular consequence: missense variant.
Genome position (GRCh38, 1-based): chr1:27,549,799, C>A on the plus strand (G>T on the coding strand, the complement: AHDC1 is on the minus strand). VCF-style: chr1-27549799-C-A. GRCh37 (hg19) VCF-style: chr1-27876310-C-A.
Other names: c.2317G>T, p.Gly773Cys (NM_001029882.3); short protein forms G773C.
Identifiers: ClinVar variation 4768652 (VCV004768652.1).

ClinVar aggregate classification (germline): Uncertain significance (1 of 4 stars; one submission).

Submission:

Labcorp Genetics (formerly Invitae), Labcorp
Classification: Uncertain significance. Last evaluated: 2025-07-29. Review status: criteria provided, single submitter. Criteria: Invitae Variant Classification Sherloc (09022015). Collection method: clinical testing. Allele origin: germline.
Comment: This sequence change replaces glycine, which is neutral and non-polar, with cysteine, which is neutral and slightly polar, at codon 773 of the AHDC1 protein (p.Gly773Cys). This variant is not present in population databases (gnomAD no frequency). This variant has not been reported in the literature in individuals affected with AHDC1-related conditions. An algorithm developed to predict the effect of missense changes on protein structure and function (PolyPhen-2) suggests that this variant is likely to be disruptive. In summary, the available evidence is currently insufficient to determine the role of this variant in disease. Therefore, it has been classified as a Variant of Uncertain Significance.